The following is an entry in ClinVar:

NM_007363.5(NONO):c.116C>T (p.Pro39Leu)

Gene: NONO (non-POU domain containing octamer binding; plus strand). Cytogenetic location: Xq13.1.
Variant type: single nucleotide variant.
Coding change: c.116C>T on transcript NM_007363.5 (MANE Select); coding-DNA position 116, C replaced by T.
Protein change: p.Pro39Leu; replaces proline 39 with leucine.
Molecular consequence: missense variant. On other transcripts: intron variant (1).
Genome position (GRCh38, 1-based): chrX:71,290,753, C>T. VCF-style: chrX-71290753-C-T. GRCh37 (hg19) VCF-style: chrX-70510603-C-T.
Other names: c.116C>T, p.Pro39Leu (NM_001145408.2, NM_001145409.2); c.-113-1026C>T (NM_001145410.2); short protein forms P39L.
Identifiers: ClinVar variation 1704517 (VCV001704517.8), dbSNP rs755285551, ClinGen allele CA10446047.
Genomic context (GRCh38, chrX:71,290,753, plus strand): 5'-ATCATCAACATCACCACCAGCAGCAGCACCACCAGCAGCAACAGCAGCAGCCGCCACCAC[C>T]GCCAATACCTGCAAATGGGCAACAGGCCAGCAGCCAAAGTGTGTATATGCTAGGTGATGG-3'
Protein context (NP_031389.3, residues 29-49): HQQQQQQPPP[Pro39Leu]PIPANGQQAS

ClinVar aggregate classification (germline): Uncertain significance. Review status: criteria provided, multiple submitters, no conflicts (2 of 4 stars). 3 submissions from 3 submitters: Uncertain significance (3). Last evaluated 2026-01-08.

Allele frequency attached by ClinVar (database versions not stated): gnomAD 0.00001; gnomAD exomes 0.00001; ExAC 0.00003; TOPMed 0.00003; 1000 Genomes Project 30x 0.00042.
gnomAD v4.1: 8 of 1,189,845 alleles (0.00067%); highest among the groups gnomAD compares: Admixed American, 0.0046%; no homozygotes.

Submissions (3):

Labcorp Genetics (formerly Invitae), Labcorp
Classification: Uncertain significance. Last evaluated: 2026-01-08. Review status: criteria provided, single submitter. Criteria: Invitae Variant Classification Sherloc (09022015). Collection method: clinical testing. Allele origin: germline.
Comment: This sequence change replaces proline, which is neutral and non-polar, with leucine, which is neutral and non-polar, at codon 39 of the NONO protein (p.Pro39Leu). This variant is present in population databases (rs755285551, gnomAD 0.01%), including at least one homozygous and/or hemizygous individual. This variant has not been reported in the literature in individuals affected with NONO-related conditions. ClinVar contains an entry for this variant (Variation ID: 1704517). Invitae Evidence Modeling of protein sequence and biophysical properties (such as structural, functional, and spatial information, amino acid conservation, physicochemical variation, residue mobility, and thermodynamic stability) indicates that this missense variant is not expected to disrupt NONO protein function with a negative predictive value of 80%. In summary, the available evidence is currently insufficient to determine the role of this variant in disease. Therefore, it has been classified as a Variant of Uncertain Significance.

Centre of Medical Genetics, University Hospital Muenster
Classification: Uncertain significance. Last evaluated: 2023-03-01. Review status: criteria provided, single submitter. Criteria: ACMG Guidelines, 2015. Collection method: clinical testing. Allele origin: unknown. Affected: yes. Observed: 1 variant allele.
Comment: ACMG categories: PP1,PP2,BP1

Women's Health and Genetics/Laboratory Corporation of America, LabCorp
Classification: Uncertain significance. Last evaluated: 2022-07-05. Review status: criteria provided, single submitter. Criteria: LabCorp Variant Classification Summary - May 2015. Collection method: clinical testing. Allele origin: germline.
Comment: Variant summary: NONO c.116C>T (p.Pro39Leu) results in a non-conservative amino acid change in the encoded protein sequence. Four of five in-silico tools predict a damaging effect of the variant on protein function. The variant allele was found at a frequency of 2.1e-05 in 143829 control chromosomes (gnomAD). The available data on variant occurrences in the general population are insufficient to allow any conclusion about variant significance. To our knowledge, no occurrence of c.116C>T in individuals affected with X-Linked Mental Retardation, Syndromic 34 and no experimental evidence demonstrating its impact on protein function have been reported. No clinical diagnostic laboratories have submitted clinical-significance assessments for this variant to ClinVar after 2014. Based on the evidence outlined above, the variant was classified as uncertain significance.